The following is an entry in ClinVar:

ClinVar aggregate classification (germline): Uncertain significance (1 of 4 stars; one submission).

gnomAD v4.1: 15 of 1,614,114 alleles (0.00093%); highest among the groups gnomAD compares: Non-Finnish European, 0.0012%; no homozygotes.

Submission:

Women's Health and Genetics/Laboratory Corporation of America, LabCorp
Classification: Uncertain significance. Last evaluated: 2024-10-02. Review status: criteria provided, single submitter. Criteria: LabCorp Variant Classification Summary - May 2015. Collection method: clinical testing. Allele origin: germline.
Comment: Variant summary: TNS2 c.956C>T (p.Thr319Ile) results in a non-conservative amino acid change located in the tensin phosphatase, C2 domain (IPR014020) of the encoded protein sequence. Three of five in-silico tools predict a benign effect of the variant on protein function. Consensus agreement among computation tools predict no significant impact on normal splicing. However, these predictions have yet to be confirmed by functional studies. The variant allele was found at a frequency of 4e-06 in 251354 control chromosomes. The available data on variant occurrences in the general population are insufficient to allow any conclusion about variant significance. To our knowledge, no occurrence of c.956C>T in individuals affected with TNS2-Related Disorders and no experimental evidence demonstrating its impact on protein function have been reported. This variant is also known as c.584C>T(p.Thr195Ile) in alternate transcript NM_198316. No submitters have cited clinical-significance assessments for this variant to ClinVar. Based on the evidence outlined above, the variant was classified as uncertain significance.

NM_170754.4(TNS2):c.956C>T (p.Thr319Ile)

Gene: TNS2 (tensin 2; plus strand). Cytogenetic location: 12q13.13.
Variant type: single nucleotide variant.
Coding change: c.956C>T on transcript NM_170754.4 (MANE Select); coding-DNA position 956, C replaced by T.
Protein change: p.Thr319Ile; replaces threonine 319 with isoleucine.
Molecular consequence: missense variant.
Genome position (GRCh38, 1-based): chr12:53,057,677, C>T. VCF-style: chr12-53057677-C-T. GRCh37 (hg19) VCF-style: chr12-53451461-C-T.
Other names: c.956C>T, p.Thr319Ile (NM_001416202.1, NM_001416204.1); c.887C>T, p.Thr296Ile (NM_001416203.1, NM_015319.3); c.584C>T, p.Thr195Ile (NM_198316.2); short protein forms T195I, T296I, T319I.
Identifiers: ClinVar variation 3384983 (VCV003384983.1).